The following is an entry in ClinVar:

ClinVar aggregate classification (germline): Benign/Likely benign. Review status: criteria provided, multiple submitters, no conflicts (2 of 4 stars). 7 submissions from 7 submitters: Benign (4); Likely benign (2). 1 of the submissions does not count toward it. Last evaluated 2026-02-01.

Conditions:
GALNT3-related disorder. Also called: GALNT3-related condition.
Tumoral calcinosis, hyperphosphatemic, familial, 1. Also called: CALCINOSIS, TUMORAL, WITH HYPERPHOSPHATEMIA; LIPOCALCINOGRANULOMATOSIS; MORBUS TEUTSCHLAENDER; TEUTSCHLAENDER DISEASE, FAMILIAL; TUMORAL CALCINOSIS, PRIMARY HYPERPHOSPHATEMIC; HYPEROSTOSIS WITH HYPERPHOSPHATEMIA. Identifiers: Orphanet 53715, MedGen C4692564, MONDO:0100252, OMIM 211900.

Allele frequency attached by ClinVar (database versions not stated): 1000 Genomes Project 0.00459; 1000 Genomes Project 30x 0.00468; gnomAD 0.00761 and 0.00763; TOPMed 0.00770; gnomAD exomes 0.00797 and 0.00964; ESP Exome Variant Server 0.00831; ExAC 0.00834.
gnomAD v4.1: 15,339 of 1,611,598 alleles (0.95%); highest among the groups gnomAD compares: Non-Finnish European, 1.1%; 97 homozygotes.

Submissions (7):

Labcorp Genetics (formerly Invitae), Labcorp
Classification: Benign. Last evaluated: 2026-02-01. Review status: criteria provided, single submitter. Criteria: Invitae Variant Classification Sherloc (09022015). Collection method: clinical testing. Allele origin: germline.

CeGaT Center for Human Genetics Tuebingen
Classification: Benign. Last evaluated: 2025-07-01. Review status: criteria provided, single submitter. Criteria: CeGaT Center For Human Genetics Tuebingen Variant Classification Criteria Version 2. Collection method: clinical testing. Allele origin: germline. Affected: yes. Observed: 1 variant allele.
Comment: GALNT3: BP4, BS1, BS2

Mayo Clinic Laboratories, Mayo Clinic
Classification: Benign. Last evaluated: 2024-11-20. Review status: criteria provided, single submitter. Criteria: ACMG Guidelines, 2015. Collection method: clinical testing. Allele origin: germline. Observed: 3 variant alleles.
Comment: BS1, BS2, BP4, BP7

GeneDx
Classification: Likely benign. Last evaluated: 2021-03-11. Review status: criteria provided, single submitter. Criteria: GeneDx Variant Classification Process June 2021. Collection method: clinical testing. Allele origin: germline. Affected: yes.

Illumina Laboratory Services, Illumina
Classification: Benign for Tumoral calcinosis, hyperphosphatemic, familial, 1. Last evaluated: 2018-01-12. Review status: criteria provided, single submitter. Criteria: ICSL Variant Classification Criteria 13 December 2019. Collection method: clinical testing. Allele origin: germline.
Comment: This variant was observed in the ICSL laboratory as part of a predisposition screen in an ostensibly healthy population. It had not been previously curated by ICSL or reported in the Human Gene Mutation Database (HGMD: prior to June 1st, 2018), and was therefore a candidate for classification through an automated scoring system. Utilizing variant allele frequency, disease prevalence and penetrance estimates, and inheritance mode, an automated score was calculated to assess if this variant is too frequent to cause the disease. Based on the score and internal cut-off values, a variant classified as benign is not then subjected to further curation. The score for this variant resulted in a classification of benign for this disease.

Breakthrough Genomics
Classification: Likely benign. Review status: criteria provided, single submitter. Criteria: ACMG Guidelines, 2015. Collection method: not provided. Allele origin: germline. Inheritance: Autosomal recessive inheritance. Affected: yes.

PreventionGenetics, part of Exact Sciences
Classification: Benign for GALNT3-related condition. Last evaluated: 2019-03-28. Review status: no assertion criteria provided. Collection method: clinical testing. Allele origin: germline. Not counted in ClinVar's aggregate classification.
Comment: This variant is classified as benign based on ACMG/AMP sequence variant interpretation guidelines (Richards et al. 2015 PMID: 25741868, with internal and published modifications).

NM_004482.4(GALNT3):c.1827T>C (p.Asn609=)

Gene: GALNT3 (polypeptide N-acetylgalactosaminyltransferase 3; minus strand). Cytogenetic location: 2q24.3.
Variant type: single nucleotide variant.
Coding change: c.1827T>C on transcript NM_004482.4 (MANE Select); coding-DNA position 1827, T replaced by C.
Protein change: p.Asn609=; no amino-acid change (asparagine 609 retained).
Molecular consequence: synonymous variant.
Genome position (GRCh38, 1-based): chr2:165,748,856, A>G on the plus strand (T>C on the coding strand, the complement: GALNT3 is on the minus strand). VCF-style: chr2-165748856-A-G. GRCh37 (hg19) VCF-style: chr2-166605366-A-G.
Other names: p.Asn609=.
Identifiers: ClinVar variation 773430 (VCV000773430.27), dbSNP rs142136047, ClinGen allele CA1940831.